The following is an entry in ClinVar:

ClinVar aggregate classification (germline): Uncertain significance (1 of 4 stars; one submission).

Allele frequency attached by ClinVar (database versions not stated): gnomAD exomes below 0.00001.
gnomAD v4.1: 3 of 1,613,762 alleles (0.00019%); highest among the groups gnomAD compares: Non-Finnish European, 0.00025%; no homozygotes.

Submission:

CeGaT Center for Human Genetics Tuebingen
Classification: Uncertain significance. Last evaluated: 2023-01-01. Review status: criteria provided, single submitter. Criteria: CeGaT Center For Human Genetics Tuebingen Variant Classification Criteria Version 2. Collection method: clinical testing. Allele origin: germline. Affected: yes. Observed: 1 variant allele.
Comment: HIF1A: PM2, PS2:Supporting

NM_001530.4(HIF1A):c.722C>A (p.Thr241Asn)

Genes: HIF1A (hypoxia inducible factor 1 subunit alpha; plus strand), HIF1A-AS3 (HIF1A antisense RNA 3; minus strand). Cytogenetic location: 14q23.2.
Variant type: single nucleotide variant.
Coding change: c.722C>A on transcript NM_001530.4 (MANE Select); coding-DNA position 722, C replaced by A.
Protein change: p.Thr241Asn; replaces threonine 241 with asparagine.
Molecular consequence: missense variant.
Genome position (GRCh38, 1-based): chr14:61,727,604, C>A. VCF-style: chr14-61727604-C-A. GRCh37 (hg19) VCF-style: chr14-62194322-C-A.
Other names: c.794C>A, p.Thr265Asn (NM_001243084.2); c.722C>A, p.Thr241Asn (NM_181054.3); short protein forms T241N, T265N.
Identifiers: ClinVar variation 2644273 (VCV002644273.24), dbSNP rs2503132933, ClinGen allele CA389925748.